The following is an entry in ClinVar:

NM_001142864.4(PIEZO1):c.3850G>A (p.Gly1284Ser)

Gene: PIEZO1 (piezo type mechanosensitive ion channel component 1 (Er blood group); minus strand). Cytogenetic location: 16q24.3.
Variant type: single nucleotide variant.
Coding change: c.3850G>A on transcript NM_001142864.4 (MANE Select); coding-DNA position 3850, G replaced by A.
Protein change: p.Gly1284Ser; replaces glycine 1284 with serine.
Molecular consequence: missense variant.
Genome position (GRCh38, 1-based): chr16:88,726,402, C>T on the plus strand (G>A on the coding strand, the complement: PIEZO1 is on the minus strand). VCF-style: chr16-88726402-C-T. GRCh37 (hg19) VCF-style: chr16-88792810-C-T.
Other names: short protein forms G1284S.
Identifiers: ClinVar variation 4704501 (VCV004704501.1).

ClinVar aggregate classification (germline): Uncertain significance (1 of 4 stars; one submission).

gnomAD v4.1: 3 of 1,550,546 alleles (0.00019%); highest among the groups gnomAD compares: Admixed American, 0.0059%; no homozygotes.

Submission:

Labcorp Genetics (formerly Invitae), Labcorp
Classification: Uncertain significance. Last evaluated: 2025-09-16. Review status: criteria provided, single submitter. Criteria: Invitae Variant Classification Sherloc (09022015). Collection method: clinical testing. Allele origin: germline.
Comment: This sequence change replaces glycine, which is neutral and non-polar, with serine, which is neutral and polar, at codon 1284 of the PIEZO1 protein (p.Gly1284Ser). This variant is not present in population databases (gnomAD no frequency). This variant has not been reported in the literature in individuals affected with PIEZO1-related conditions. Invitae Evidence Modeling of protein sequence and biophysical properties (such as structural, functional, and spatial information, amino acid conservation, physicochemical variation, residue mobility, and thermodynamic stability) indicates that this missense variant is expected to disrupt PIEZO1 protein function with a positive predictive value of 80%. In summary, the available evidence is currently insufficient to determine the role of this variant in disease. Therefore, it has been classified as a Variant of Uncertain Significance.